The following is an entry in ClinVar:

NM_015488.5(PNKD):c.55C>T (p.Arg19Cys)

Genes: PNKD (PNKD metallo-beta-lactamase domain containing; plus strand), LOC129935594 (ATAC-STARR-seq lymphoblastoid active region 17117; plus strand). Cytogenetic location: 2q35.
Variant type: single nucleotide variant.
Coding change: c.55C>T on transcript NM_015488.5 (MANE Select); coding-DNA position 55, C replaced by T.
Protein change: p.Arg19Cys; replaces arginine 19 with cysteine.
Molecular consequence: missense variant.
Genome position (GRCh38, 1-based): chr2:218,270,590, C>T. VCF-style: chr2-218270590-C-T. GRCh37 (hg19) VCF-style: chr2-219135313-C-T.
Other names: c.55C>T, p.Arg19Cys (NM_001077399.3); short protein forms R19C.
Identifiers: ClinVar variation 950139 (VCV000950139.10), dbSNP rs1690790863, ClinGen allele CA350543702.

ClinVar aggregate classification (germline): Uncertain significance (1 of 4 stars; one submission).

Conditions:
Paroxysmal nonkinesigenic dyskinesia. Also called: Paroxysmal non-kinesigenic dyskinesia. Identifiers: Orphanet 98810, MedGen C1869117, MONDO:0700088.

gnomAD v4.1: 1 of 1,093,408 alleles (0.000091%); highest among the groups gnomAD compares: East Asian, 0.0031%; no homozygotes.

Submission:

Labcorp Genetics (formerly Invitae), Labcorp
Classification: Uncertain significance for Paroxysmal nonkinesigenic dyskinesia. Last evaluated: 2019-03-30. Review status: criteria provided, single submitter. Criteria: Invitae Variant Classification Sherloc (09022015). Collection method: clinical testing. Allele origin: germline.
Comment: In summary, the available evidence is currently insufficient to determine the role of this variant in disease. Therefore, it has been classified as a Variant of Uncertain Significance. Algorithms developed to predict the effect of missense changes on protein structure and function are either unavailable or do not agree on the potential impact of this missense change (SIFT: "Deleterious"; PolyPhen-2: "Possibly Damaging"; Align-GVGD: "Class C0"). This variant has not been reported in the literature in individuals with PNKD-related conditions. The frequency data for this variant in the population databases is considered unreliable, as metrics indicate insufficient coverage at this position in the ExAC database. This sequence change replaces arginine with cysteine at codon 19 of the PNKD protein (p.Arg19Cys). The arginine residue is moderately conserved and there is a large physicochemical difference between arginine and cysteine.